The following is an entry in ClinVar:

NM_000368.5(TSC1):c.2603A>C (p.Asn868Thr)

Gene: TSC1 (TSC complex subunit 1; minus strand). Cytogenetic location: 9q34.13.
Variant type: single nucleotide variant.
Coding change: c.2603A>C on transcript NM_000368.5 (MANE Select); coding-DNA position 2603, A replaced by C.
Protein change: p.Asn868Thr; replaces asparagine 868 with threonine.
Molecular consequence: missense variant. On other transcripts: non-coding transcript variant (5).
Genome position (GRCh38, 1-based): chr9:132,900,737, T>G on the plus strand (A>C on the coding strand, the complement: TSC1 is on the minus strand). VCF-style: chr9-132900737-T-G. GRCh37 (hg19) VCF-style: chr9-135776124-T-G.
Other names: c.2600A>C, p.Asn867Thr (NM_001162426.2, NM_001406597.1, NM_001406598.1 and 2 more transcripts); c.2450A>C, p.Asn817Thr (NM_001162427.2, NM_001406610.1); c.2240A>C, p.Asn747Thr (NM_001362177.2, NM_001406614.1, NM_001406615.1 and 4 more transcripts); c.2603A>C, p.Asn868Thr (NM_001406592.1, NM_001406593.1, NM_001406594.1 and 2 more transcripts); c.2558A>C, p.Asn853Thr (NM_001406609.1, NM_001406608.1); c.2447A>C, p.Asn816Thr (NM_001406611.1, NM_001406612.1); c.2405A>C, p.Asn802Thr (NM_001406613.1); c.1649A>C, p.Asn550Thr (NM_001406628.1, NM_001406627.1); and 8 more; short protein forms N550T, N732T, N733T, N853T, N868T, N551T, N746T, N802T.
Identifiers: ClinVar variation 3705090 (VCV003705090.2).

ClinVar aggregate classification (germline): Uncertain significance (1 of 4 stars; one submission).

Conditions:
Tuberous sclerosis 1 (TSC1). Identifiers: Orphanet 805, MedGen C1854465, MONDO:0008612, OMIM 191100.

Submission:

Labcorp Genetics (formerly Invitae), Labcorp
Classification: Uncertain significance for Tuberous sclerosis 1. Last evaluated: 2024-12-10. Review status: criteria provided, single submitter. Criteria: Invitae Variant Classification Sherloc (09022015). Collection method: clinical testing. Allele origin: germline.
Comment: This sequence change replaces asparagine, which is neutral and polar, with threonine, which is neutral and polar, at codon 868 of the TSC1 protein (p.Asn868Thr). This variant is not present in population databases (gnomAD no frequency). This variant has not been reported in the literature in individuals affected with TSC1-related conditions. Invitae Evidence Modeling of protein sequence and biophysical properties (such as structural, functional, and spatial information, amino acid conservation, physicochemical variation, residue mobility, and thermodynamic stability) indicates that this missense variant is not expected to disrupt TSC1 protein function with a negative predictive value of 95%. In summary, the available evidence is currently insufficient to determine the role of this variant in disease. Therefore, it has been classified as a Variant of Uncertain Significance.